The following is an entry in ClinVar:

ClinVar aggregate classification (germline): Pathogenic/Likely pathogenic. Review status: criteria provided, multiple submitters, no conflicts (2 of 4 stars). 3 submissions from 3 submitters: Pathogenic (1); Likely pathogenic (2). Last evaluated 2025-10-24.

Conditions:
ALG6-congenital disorder of glycosylation 1C (CDG1C). Also called: CARBOHYDRATE-DEFICIENT GLYCOPROTEIN SYNDROME, TYPE V; Congenital disorder of glycosylation type 1C; CARBOHYDRATE-DEFICIENT GLYCOPROTEIN SYNDROME, TYPE I, WITH DEFICIENT GLYCOSYLATION OF DOLICHOL-LINKED OLIGOSACCHARIDE; CDG Ic; Congenital disorder of glycosylation, type Ic. Identifiers: Orphanet 79320, MedGen C2930997, MONDO:0011291, OMIM 603147.

Submissions (3):

Labcorp Genetics (formerly Invitae), Labcorp
Classification: Pathogenic for ALG6-congenital disorder of glycosylation 1C. Last evaluated: 2025-10-24. Review status: criteria provided, single submitter. Criteria: Invitae Variant Classification Sherloc (09022015). Collection method: clinical testing. Allele origin: germline.
Comment: This sequence change creates a premature translational stop signal (p.Ser340Leufs*18) in the ALG6 gene. It is expected to result in an absent or disrupted protein product. Loss-of-function variants in ALG6 are known to be pathogenic (PMID: 19862844). This variant is not present in population databases (gnomAD no frequency). This variant has not been reported in the literature in individuals affected with ALG6-related conditions. ClinVar contains an entry for this variant (Variation ID: 965480). For these reasons, this variant has been classified as Pathogenic.

Natera, Inc.
Classification: Likely pathogenic for Congenital disorder of glycosylation type 1c. Last evaluated: 2025-03-31. Review status: criteria provided, single submitter. Criteria: Natera Variant Classification Schema (03/2026). Collection method: clinical testing. Allele origin: germline.
Comment: The c.1018delT variant in ALG6 is a frameshift variant predicted to shift the reading frame beginning at codon 340 and leads to a stop codon 18 codons downstream. This variant is expected to result in nonsense mediated decay, truncation, or a dysfunctional protein product. This variant is rare in the general population with a frequency below the threshold expected for the associated phenotype(s). Given the available evidence, this variant is classified as Likely Pathogenic.

Revvity Omics, Revvity
Classification: Likely pathogenic for ALG6-congenital disorder of glycosylation 1C. Last evaluated: 2021-11-23. Review status: criteria provided, single submitter. Criteria: ACMG Guidelines, 2015. Collection method: clinical testing. Allele origin: germline.

Literature cited by the submitters: PubMed 19862844 (cited by Labcorp Genetics (formerly Invitae), Labcorp).

NM_013339.4(ALG6):c.1018del (p.Ser340fs)

Gene: ALG6 (ALG6 alpha-1,3-glucosyltransferase; plus strand). Cytogenetic location: 1p31.3.
Variant type: Deletion.
Coding change: c.1018del on transcript NM_013339.4 (MANE Select); coding-DNA position 1018, one base deleted (T; older notation c.1018delT).
Protein change: p.Ser340fs; shifts the reading frame from serine 340.
Molecular consequence: frameshift variant.
Genome position (GRCh38, 1-based): chr1:63,419,400, T deleted; the last of 4 consecutive T bases (chr1:63,419,397-63,419,400); deleting any one gives the same sequence. VCF-style (leftmost placement, unchanged base first): chr1-63419396-AT-A. GRCh37 (hg19) VCF-style: chr1-63885067-AT-A.
Other names: c.1018delT (NM_013339.3); short protein forms S340fs.
Identifiers: ClinVar variation 965480 (VCV000965480.13), dbSNP rs1269984067, ClinGen allele CA737743665.
Genomic context (GRCh38, chr1:63,419,396, plus strand): 5'-GTTATATCTCATTTCCCCCCCTTTTTTCTTAAAGGTTAGCTGTGCGCTATCATTCTTTTT[AT>A]TTTCTTTCCAAGTACATGAAAAATCCATTCTCTTGGTGTCACTGTAAGTAGAAACATTTG-3'